The following is an entry in ClinVar:

NM_020831.6(MRTFA):c.325G>A (p.Ala109Thr)

Gene: MRTFA (myocardin related transcription factor A; minus strand). Cytogenetic location: 22q13.1.
Variant type: single nucleotide variant.
Coding change: c.325G>A on transcript NM_020831.6 (MANE Select); coding-DNA position 325, G replaced by A.
Protein change: p.Ala109Thr; replaces alanine 109 with threonine.
Molecular consequence: missense variant.
Genome position (GRCh38, 1-based): chr22:40,435,537, C>T on the plus strand (G>A on the coding strand, the complement: MRTFA is on the minus strand). VCF-style: chr22-40435537-C-T. GRCh37 (hg19) VCF-style: chr22-40831541-C-T.
Other names: c.25G>A (NM_020831.4); c.25G>A, p.Ala9Thr (NM_001282660.2); c.325G>A, p.Ala109Thr (NM_001282661.3, NM_001282662.3); c.130G>A, p.Ala44Thr (NM_001318139.2); short protein forms A109T, A44T, A9T.
Identifiers: ClinVar variation 1337995 (VCV001337995.13), dbSNP rs181447706, ClinGen allele CA10250018.

ClinVar aggregate classification (germline): Conflicting classifications of pathogenicity. Review status: criteria provided, conflicting classifications (1 of 4 stars). 3 submissions from 3 submitters: Uncertain significance (1); Benign (1). 1 of the submissions does not count toward it. Last evaluated 2026-01-13.

Conditions:
MRTFA-related disorder. Also called: MRTFA-related condition.

Allele frequency attached by ClinVar (database versions not stated): 1000 Genomes Project 30x 0.00016; gnomAD 0.00016; 1000 Genomes Project 0.00020; TOPMed 0.00036; ExAC 0.00058; gnomAD exomes 0.00085.
gnomAD v4.1: 272 of 1,614,134 alleles (0.017%); highest among the groups gnomAD compares: Admixed American, 0.42%; 1 homozygote.

Submissions (3):

Labcorp Genetics (formerly Invitae), Labcorp
Classification: Benign. Last evaluated: 2026-01-13. Review status: criteria provided, single submitter. Criteria: Invitae Variant Classification Sherloc (09022015). Collection method: clinical testing. Allele origin: germline.

Genetic Services Laboratory, University of Chicago
Classification: Uncertain significance. Last evaluated: 2021-06-16. Review status: criteria provided, single submitter. Criteria: ACMG Guidelines, 2015. Collection method: clinical testing. Allele origin: germline. Affected: no.
Comment: DNA sequence analysis of the MRTFA gene demonstrated a sequence change, c.325G>A, in exon 5 that results in an amino acid change, p.Ala109Thr. This sequence change has been described in the gnomAD database with a frequency of 0.61% in the Latino/Admixed American subpopulation (dbSNP rs181447706). The p.Ala109Thr change affects a moderately conserved amino acid residue located in a domain of the MRTFA protein that is not known to be functional. In-silico pathogenicity prediction tools (SIFT, PolyPhen2, Align GVGD, REVEL) provide contradictory results for the p.Ala109Thr substitution. This sequence change does not appear to have been previously described in patients with MRTFA-related disorders. Due to insufficient evidences and the lack of functional studies, the clinical significance of the p.Ala109Thr change remains unknown at this time.

PreventionGenetics, part of Exact Sciences
Classification: Likely benign for MRTFA-related condition. Last evaluated: 2022-05-11. Review status: no assertion criteria provided. Collection method: clinical testing. Allele origin: germline. Not counted in ClinVar's aggregate classification.
Comment: This variant is classified as likely benign based on ACMG/AMP sequence variant interpretation guidelines (Richards et al. 2015 PMID: 25741868, with internal and published modifications).